The following is an entry in ClinVar:

NM_194277.3(FRMD7):c.1105G>A (p.Val369Met)

Gene: FRMD7 (FERM domain containing 7; minus strand). Cytogenetic location: Xq26.2.
Variant type: single nucleotide variant.
Coding change: c.1105G>A on transcript NM_194277.3 (MANE Select); coding-DNA position 1105, G replaced by A.
Protein change: p.Val369Met; replaces valine 369 with methionine.
Molecular consequence: missense variant.
Genome position (GRCh38, 1-based): chrX:132,078,912, C>T on the plus strand (G>A on the coding strand, the complement: FRMD7 is on the minus strand). VCF-style: chrX-132078912-C-T. GRCh37 (hg19) VCF-style: chrX-131212940-C-T.
Other names: c.1060G>A, p.Val354Met (NM_001306193.2); short protein forms V354M, V369M.
Identifiers: ClinVar variation 1899504 (VCV001899504.5), dbSNP rs2520706511, ClinGen allele CA414679828.

ClinVar aggregate classification (germline): Uncertain significance (1 of 4 stars; one submission).

Allele frequency attached by ClinVar (database versions not stated): gnomAD exomes 0.00001.
gnomAD v4.1: 8 of 1,207,568 alleles (0.00066%); highest among the groups gnomAD compares: Non-Finnish European, 0.0009%; no homozygotes.

Submission:

Labcorp Genetics (formerly Invitae), Labcorp
Classification: Uncertain significance. Last evaluated: 2022-03-04. Review status: criteria provided, single submitter. Criteria: Invitae Variant Classification Sherloc (09022015). Collection method: clinical testing. Allele origin: germline.
Comment: This sequence change replaces valine, which is neutral and non-polar, with methionine, which is neutral and non-polar, at codon 369 of the FRMD7 protein (p.Val369Met). In summary, the available evidence is currently insufficient to determine the role of this variant in disease. Therefore, it has been classified as a Variant of Uncertain Significance. Algorithms developed to predict the effect of missense changes on protein structure and function are either unavailable or do not agree on the potential impact of this missense change (SIFT: "Tolerated"; PolyPhen-2: "Possibly Damaging"; Align-GVGD: "Class C0"). This variant has not been reported in the literature in individuals affected with FRMD7-related conditions. This variant is not present in population databases (gnomAD no frequency).